The following is an entry in ClinVar:

NM_153240.5(NPHP3):c.2096del (p.Lys699fs)

Genes: NPHP3 (nephrocystin 3; minus strand), NPHP3-ACAD11 (NPHP3-ACAD11 readthrough (NMD candidate); minus strand). Cytogenetic location: 3q22.1.
Variant type: Deletion.
Coding change: c.2096del on transcript NM_153240.5 (MANE Select); coding-DNA position 2096, one base deleted (A; older notation c.2096delA).
Protein change: p.Lys699fs; shifts the reading frame from lysine 699.
Molecular consequence: frameshift variant. On other transcripts: non-coding transcript variant (1).
Genome position (GRCh38, 1-based): chr3:132,696,806, T deleted on the plus strand (A on the coding strand, the reverse complement: NPHP3 is on the minus strand); the first of 2 consecutive T bases (chr3:132,696,806-132,696,807); deleting either gives the same sequence. VCF-style (leftmost placement, unchanged base first): chr3-132696805-CT-C. GRCh37 (hg19) VCF-style: chr3-132415649-CT-C.
Other names: short protein forms K699fs.
Identifiers: ClinVar variation 5006543 (VCV005006543.2).

ClinVar aggregate classification (germline): Likely pathogenic (1 of 4 stars; one submission).

Conditions:
NPHP3-related Meckel-like syndrome. Also called: Meckel syndrome type 7; GOLDSTON SYNDROME. Identifiers: Orphanet 3032, MedGen C2673885, MONDO:0009966, OMIM 267010.
Nephronophthisis 3 (NPHP3). Also called: Adolescent nephronophthisis. Identifiers: Orphanet 655, MedGen C1858392, MONDO:0011456, OMIM 604387.
Renal-hepatic-pancreatic dysplasia 1 (RHPD1). Identifiers: MedGen C3715199, MONDO:0008833, OMIM 208540.

Submission:

Juno Genomics, Hangzhou Juno Genomics, Inc
Classification: Likely pathogenic for NPHP3-related Meckel-like syndrome; Nephronophthisis 3; Renal-hepatic-pancreatic dysplasia 1. Review status: criteria provided, single submitter. Criteria: ACMG Guidelines, 2015. Collection method: clinical testing. Allele origin: germline.
Comment: Null variant in a gene where loss of function (LOF) is a known mechanism of disease.;Absent from controls (or at extremely low frequency if recessive) in Genome Aggregation Database.